The following is an entry in ClinVar:

ClinVar aggregate classification (germline): Likely benign. Review status: criteria provided, multiple submitters, no conflicts (2 of 4 stars). 2 submissions from 2 submitters: Likely benign (2). Last evaluated 2026-01-20.

Conditions:
ALG6-congenital disorder of glycosylation 1C (CDG1C). Also called: CDG Ic; Congenital disorder of glycosylation, type Ic; CARBOHYDRATE-DEFICIENT GLYCOPROTEIN SYNDROME, TYPE I, WITH DEFICIENT GLYCOSYLATION OF DOLICHOL-LINKED OLIGOSACCHARIDE; CARBOHYDRATE-DEFICIENT GLYCOPROTEIN SYNDROME, TYPE V; Congenital disorder of glycosylation type 1C. Identifiers: Orphanet 79320, MedGen C2930997, MONDO:0011291, OMIM 603147.

Allele frequency attached by ClinVar (database versions not stated): gnomAD 0.00001; gnomAD exomes 0.00001; TOPMed 0.00001.
gnomAD v4.1: 18 of 1,609,902 alleles (0.0011%); highest among the groups gnomAD compares: Admixed American, 0.0017%; no homozygotes.

Submissions (2):

Labcorp Genetics (formerly Invitae), Labcorp
Classification: Likely benign for ALG6-congenital disorder of glycosylation 1C. Last evaluated: 2026-01-20. Review status: criteria provided, single submitter. Criteria: Invitae Variant Classification Sherloc (09022015). Collection method: clinical testing. Allele origin: germline.

GeneDx
Classification: Likely benign. Last evaluated: 2016-08-31. Review status: criteria provided, single submitter. Criteria: GeneDx Variant Classification (06012015). Collection method: clinical testing. Allele origin: germline. Affected: yes.
Comment: This variant is considered likely benign or benign based on one or more of the following criteria: it is a conservative change, it occurs at a poorly conserved position in the protein, it is predicted to be benign by multiple in silico algorithms, and/or has population frequency not consistent with disease.

NM_013339.4(ALG6):c.1128-18A>T

Gene: ALG6 (ALG6 alpha-1,3-glucosyltransferase; plus strand). Cytogenetic location: 1p31.3.
Variant type: single nucleotide variant.
Coding change: c.1128-18A>T on transcript NM_013339.4 (MANE Select); 18 bases into the intron before coding-DNA position 1128, A replaced by T.
Molecular consequence: intron variant.
Genome position (GRCh38, 1-based): chr1:63,428,910, A>T. VCF-style: chr1-63428910-A-T. GRCh37 (hg19) VCF-style: chr1-63894581-A-T.
Other names: c.1128-18A>T (LRG_1260t1).
Identifiers: ClinVar variation 388635 (VCV000388635.8), dbSNP rs1057523181, ClinGen allele CA16603673.
Genomic context (GRCh38, chr1:63,428,910, plus strand): 5'-AATTTAAAACTTTTTTATGAAGTGGTTATGGTTTGAATTGATAATTCTCTTGTGATTTTT[A>T]AAAATTTTCCTTTACAGTATGCTACCTCTTCTATTGAAGGATGAACTCCTAATGCCCTCT-3'